The following is an entry in ClinVar:

ClinVar aggregate classification (germline): Pathogenic (1 of 4 stars; one submission).

Submission:

Labcorp Genetics (formerly Invitae), Labcorp
Classification: Pathogenic. Last evaluated: 2025-09-10. Review status: criteria provided, single submitter. Criteria: Invitae Variant Classification Sherloc (09022015). Collection method: clinical testing. Allele origin: germline.
Comment: This sequence change creates a premature translational stop signal (p.His867Argfs*20) in the TMPRSS15 gene. It is expected to result in an absent or disrupted protein product. Loss-of-function variants in TMPRSS15 are known to be pathogenic (PMID: 11719902). This variant is present in population databases (rs763761460, gnomAD 0.005%). This variant has not been reported in the literature in individuals affected with TMPRSS15-related conditions. ClinVar contains an entry for this variant (Variation ID: 2181643). For these reasons, this variant has been classified as Pathogenic.

Literature cited by the submitters: PubMed 11719902.

NM_002772.3(TMPRSS15):c.2599_2600insGATTAATAGATGAAATTGTC (p.His867fs)

Gene: TMPRSS15 (transmembrane serine protease 15; minus strand). Cytogenetic location: 21q21.1.
Variant type: Insertion.
Coding change: c.2599_2600insGATTAATAGATGAAATTGTC on transcript NM_002772.3 (MANE Select); coding-DNA positions 2599 to 2600, GATTAATAGATGAAATTGTC inserted.
Protein change: p.His867fs; shifts the reading frame from histidine 867.
Molecular consequence: frameshift variant.
Genome position: GRCh38 VCF-style: chr21-18281108-T-TGACAATTTCATCTATTAATC. GRCh37 (hg19) VCF-style: chr21-19653425-T-TGACAATTTCATCTATTAATC.
Other names: short protein forms H867fs.
Identifiers: ClinVar variation 2181643 (VCV002181643.4), dbSNP rs763761460, ClinGen allele CA9983994.